The following is an entry in ClinVar:

ClinVar aggregate classification (germline): Uncertain significance. Review status: criteria provided, multiple submitters, no conflicts (2 of 4 stars). 2 submissions from 2 submitters: Uncertain significance (2). Last evaluated 2025-03-22.

Conditions:
Hereditary pancreatitis (PCTT). Also called: Hereditary chronic pancreatitis; PRSS1-Related Hereditary Pancreatitis. Identifiers: Orphanet 676, MedGen C0238339, MONDO:0008185, OMIM 167800.

Allele frequency attached by ClinVar (database versions not stated): gnomAD 0.00001.

Submissions (2):

Ambry Genetics
Classification: Uncertain significance for Hereditary pancreatitis. Last evaluated: 2025-03-22. Review status: criteria provided, single submitter. Criteria: Ambry Variant Classification Scheme 2023. Collection method: clinical testing. Allele origin: germline.
Comment: The p.V93M variant (also known as c.277G>A), located in coding exon 3 of the CPA1 gene, results from a G to A substitution at nucleotide position 277. The valine at codon 93 is replaced by methionine, an amino acid with highly similar properties. This amino acid position is conserved. In addition, this alteration is predicted to be tolerated by in silico analysis. Since supporting evidence is limited at this time, the clinical significance of this alteration remains unclear.

Labcorp Genetics (formerly Invitae), Labcorp
Classification: Uncertain significance. Last evaluated: 2022-10-22. Review status: criteria provided, single submitter. Criteria: Invitae Variant Classification Sherloc (09022015). Collection method: clinical testing. Allele origin: germline.
Comment: This sequence change replaces valine, which is neutral and non-polar, with methionine, which is neutral and non-polar, at codon 93 of the CPA1 protein (p.Val93Met). This variant is not present in population databases (gnomAD no frequency). This variant has not been reported in the literature in individuals affected with CPA1-related conditions. Advanced modeling of protein sequence and biophysical properties (such as structural, functional, and spatial information, amino acid conservation, physicochemical variation, residue mobility, and thermodynamic stability) performed at Invitae indicates that this missense variant is not expected to disrupt CPA1 protein function. In summary, the available evidence is currently insufficient to determine the role of this variant in disease. Therefore, it has been classified as a Variant of Uncertain Significance.

NM_001868.4(CPA1):c.277G>A (p.Val93Met)

Gene: CPA1 (carboxypeptidase A1; plus strand). Cytogenetic location: 7q32.2.
Variant type: single nucleotide variant.
Coding change: c.277G>A on transcript NM_001868.4 (MANE Select); coding-DNA position 277, G replaced by A.
Protein change: p.Val93Met; replaces valine 93 with methionine.
Molecular consequence: missense variant.
Genome position (GRCh38, 1-based): chr7:130,381,759, G>A. VCF-style: chr7-130381759-G-A. GRCh37 (hg19) VCF-style: chr7-130021600-G-A.
Other names: short protein forms V93M.
Identifiers: ClinVar variation 1795906 (VCV001795906.9), dbSNP rs1796407914, ClinGen allele CA369280107.